The following is an entry in ClinVar:

NM_001281740.3(FHOD3):c.3573C>T (p.Ile1191=)

Gene: FHOD3 (formin homology 2 domain containing 3; plus strand). Cytogenetic location: 18q12.2.
Variant type: single nucleotide variant.
Coding change: c.3573C>T on transcript NM_001281740.3 (MANE Select); coding-DNA position 3573, C replaced by T.
Protein change: p.Ile1191=; no amino-acid change (isoleucine 1191 retained).
Molecular consequence: synonymous variant.
Genome position (GRCh38, 1-based): chr18:36,730,801, C>T. VCF-style: chr18-36730801-C-T. GRCh37 (hg19) VCF-style: chr18-34310764-C-T.
Other names: c.2997C>T, p.Ile999= (NM_001281739.3); c.3048C>T, p.Ile1016= (NM_025135.5).
Identifiers: ClinVar variation 4820365 (VCV004820365.2), dbSNP rs902976363.

ClinVar aggregate classification (germline): Likely benign. Review status: criteria provided, multiple submitters, no conflicts (2 of 4 stars). 2 submissions from 2 submitters: Likely benign (2). Last evaluated 2026-03-27.

gnomAD v4.1: 10 of 1,613,484 alleles (0.00062%); highest among the groups gnomAD compares: Non-Finnish European, 0.00068%; no homozygotes.

Submissions (2):

Molecular Diagnostic Laboratory for Inherited Cardiovascular Disease, Montreal Heart Institute
Classification: Likely benign. Last evaluated: 2026-03-27. Review status: criteria provided, single submitter. Criteria: ACMG Guidelines, 2015. Collection method: clinical testing. Allele origin: germline. Affected: no.
Comment: BP7

Blueprint Genetics
Classification: Likely benign. Last evaluated: 2024-07-05. Review status: criteria provided, single submitter. Criteria: ACMG Guidelines, 2015. Collection method: clinical testing. Allele origin: germline.